The following is an entry in ClinVar:

ClinVar aggregate classification (germline): Uncertain significance (1 of 4 stars; one submission).

Conditions:
Brugada syndrome 8 (BRGDA8). Identifiers: Orphanet 130, MedGen C2751083, MONDO:0013148, OMIM 613123.

Submission:

Labcorp Genetics (formerly Invitae), Labcorp
Classification: Uncertain significance for Brugada syndrome 8. Last evaluated: 2023-09-22. Review status: criteria provided, single submitter. Criteria: Invitae Variant Classification Sherloc (09022015). Collection method: clinical testing. Allele origin: germline.
Comment: This sequence change creates a premature translational stop signal (p.Gln41Glyfs*86) in the HCN4 gene. It is expected to result in an absent or disrupted protein product. However, the current clinical and genetic evidence is not sufficient to establish whether loss-of-function variants in HCN4 cause disease. This variant is not present in population databases (gnomAD no frequency). This variant has not been reported in the literature in individuals affected with HCN4-related conditions. In summary, the available evidence is currently insufficient to determine the role of this variant in disease. Therefore, it has been classified as a Variant of Uncertain Significance.

NM_005477.3(HCN4):c.113_119dup (p.Gln41fs)

Gene: HCN4 (hyperpolarization activated cyclic nucleotide gated potassium channel 4; minus strand). Cytogenetic location: 15q24.1.
Variant type: Microsatellite.
Coding change: c.113_119dup on transcript NM_005477.3 (MANE Select); coding-DNA positions 113 to 119, 7 bases duplicated (GGGGCCG; older notation c.113_119dupGGGGCCG).
Protein change: p.Gln41fs; shifts the reading frame from glutamine 41.
Molecular consequence: frameshift variant.
Genome position (GRCh38, 1-based): chr15:73,368,152-73,368,158, CGGCCCC duplicated on the plus strand (GGGGCCG on the coding strand, the reverse complement: HCN4 is on the minus strand); duplicating any 7 consecutive bases within chr15:73,368,152-73,368,166 gives the same sequence; the c. name uses the placement nearest the transcript's 3' end. VCF-style (leftmost placement, unchanged base first): chr15-73368151-G-GCGGCCCC. GRCh37 (hg19) VCF-style: chr15-73660492-G-GCGGCCCC.
Other names: short protein forms Q41fs.
Identifiers: ClinVar variation 2762657 (VCV002762657.3), dbSNP rs2549080671, ClinGen allele CA2629389878.
Genomic context (GRCh38, chr15:73,368,151, plus strand): 5'-CGCCGAGGGGGAGGGCGAGGGCAGTGGCCGCAGCCGGATGCTCCTGCGGCTGGGGTCTTG[G>GCGGCCCC]CGGCCCCCGGCCCCCTCCTCCTCGGCGTCCTCTTCCTCGTCCATGATCCACGCCTTGGCC-3'